The following is an entry in ClinVar:

NM_001013838.3(CARMIL2):c.572G>A (p.Arg191His)

Gene: CARMIL2 (capping protein regulator and myosin 1 linker 2; plus strand). Cytogenetic location: 16q22.1.
Variant type: single nucleotide variant.
Coding change: c.572G>A on transcript NM_001013838.3 (MANE Select); coding-DNA position 572, G replaced by A.
Protein change: p.Arg191His; replaces arginine 191 with histidine.
Molecular consequence: missense variant.
Genome position (GRCh38, 1-based): chr16:67,646,934, G>A. VCF-style: chr16-67646934-G-A. GRCh37 (hg19) VCF-style: chr16-67680837-G-A.
Other names: c.572G>A, p.Arg191His (NM_001317026.3); short protein forms R191H.
Identifiers: ClinVar variation 1502318 (VCV001502318.5), dbSNP rs776891500, ClinGen allele CA8113129.
Genomic context (GRCh38, chr16:67,646,934, plus strand): 5'-ACTGTAAGCATCTCCTTCTCACCCAGGACGTGGACACCATTTACCATCGCCAGGGCTGCC[G>A]CCATTTCAGCCTGGGAGACTTCAGCCACCTCGGCAGTCGGTGTGTGGCCTGCCAGGATGG-3'
Protein context (NP_001013860.1, residues 181-201): VDTIYHRQGC[Arg191His]HFSLGDFSHL

ClinVar aggregate classification (germline): Uncertain significance (1 of 4 stars; one submission).

Allele frequency attached by ClinVar (database versions not stated): ExAC 0.00001; gnomAD exomes 0.00001 and 0.00002; gnomAD 0.00002 and 0.00003; TOPMed 0.00005.
gnomAD v4.1: 15 of 1,613,554 alleles (0.00093%); highest among the groups gnomAD compares: African/African-American, 0.011%; 1 homozygote.

Submission:

Labcorp Genetics (formerly Invitae), Labcorp
Classification: Uncertain significance. Last evaluated: 2022-07-19. Review status: criteria provided, single submitter. Criteria: Invitae Variant Classification Sherloc (09022015). Collection method: clinical testing. Allele origin: germline.
Comment: This sequence change replaces arginine, which is basic and polar, with histidine, which is basic and polar, at codon 191 of the CARMIL2 protein (p.Arg191His). This variant is present in population databases (rs776891500, gnomAD 0.01%). This variant has not been reported in the literature in individuals affected with CARMIL2-related conditions. ClinVar contains an entry for this variant (Variation ID: 1502318). Algorithms developed to predict the effect of missense changes on protein structure and function are either unavailable or do not agree on the potential impact of this missense change (SIFT: "Deleterious"; PolyPhen-2: "Possibly Damaging"; Align-GVGD: "Class C0"). In summary, the available evidence is currently insufficient to determine the role of this variant in disease. Therefore, it has been classified as a Variant of Uncertain Significance.